The following is an entry in ClinVar:

NM_000090.4(COL3A1):c.2983C>T (p.Pro995Ser)

Gene: COL3A1 (collagen type III alpha 1 chain; plus strand). Cytogenetic location: 2q32.2.
Variant type: single nucleotide variant.
Coding change: c.2983C>T on transcript NM_000090.4 (MANE Select); coding-DNA position 2983, C replaced by T.
Protein change: p.Pro995Ser; replaces proline 995 with serine.
Molecular consequence: missense variant.
Genome position (GRCh38, 1-based): chr2:189,005,401, C>T. VCF-style: chr2-189005401-C-T. GRCh37 (hg19) VCF-style: chr2-189870127-C-T.
Other names: short protein forms P995S.
Identifiers: ClinVar variation 1011674 (VCV001011674.7), dbSNP rs1421131137, ClinGen allele CA349844775.

ClinVar aggregate classification (germline): Uncertain significance. Review status: criteria provided, multiple submitters, no conflicts (2 of 4 stars). 2 submissions from 2 submitters: Uncertain significance (2). Last evaluated 2025-07-23.

Conditions:
Familial thoracic aortic aneurysm and aortic dissection (TAAD). Also called: Thoracic aortic aneurysms and dissections. Identifiers: Orphanet 91387, MedGen C4707243, MONDO:0019625.
Ehlers-Danlos syndrome, type 4 (EDSVASC). Also called: Ehlers-Danlos syndrome vascular type; Ehlers Danlos syndrome, ecchymotic type; Ehlers Danlos syndrome, arterial type; Ehlers Danlos syndrome, Sack-Barabas type; Ehlers-Danlos Syndrome Type IV. Identifiers: Orphanet 286, MedGen C0268338, MONDO:0017314, OMIM 130050.

gnomAD v4.1: 10 of 1,614,052 alleles (0.00062%); highest among the groups gnomAD compares: South Asian, 0.0011%; no homozygotes.

Submissions (2):

Labcorp Genetics (formerly Invitae), Labcorp
Classification: Uncertain significance for Ehlers-Danlos syndrome, type 4. Last evaluated: 2025-07-23. Review status: criteria provided, single submitter. Criteria: Invitae Variant Classification Sherloc (09022015). Collection method: clinical testing. Allele origin: germline.
Comment: This sequence change replaces proline, which is neutral and non-polar, with serine, which is neutral and polar, at codon 995 of the COL3A1 protein (p.Pro995Ser). This variant is not present in population databases (gnomAD no frequency). This variant has not been reported in the literature in individuals affected with COL3A1-related conditions. ClinVar contains an entry for this variant (Variation ID: 1011674). Invitae Evidence Modeling of protein sequence and biophysical properties (such as structural, functional, and spatial information, amino acid conservation, physicochemical variation, residue mobility, and thermodynamic stability) indicates that this missense variant is not expected to disrupt COL3A1 protein function with a negative predictive value of 95%. In summary, the available evidence is currently insufficient to determine the role of this variant in disease. Therefore, it has been classified as a Variant of Uncertain Significance.

Color Diagnostics, LLC DBA Color Health
Classification: Uncertain significance for Familial thoracic aortic aneurysm and aortic dissection. Last evaluated: 2025-06-09. Review status: criteria provided, single submitter. Criteria: ACMG Guidelines, 2015. Collection method: clinical testing. Allele origin: germline.
Comment: This missense variant replaces proline with serine at codon 995 of the COL3A1 protein. Computational prediction is inconclusive regarding the impact of this variant on protein structure and function. To our knowledge, functional studies have not been reported for this variant. This variant has not been reported in individuals affected with COL3A1-related disorders in the literature. This variant has not been identified in the general population by the Genome Aggregation Database (gnomAD). The available evidence is insufficient to determine the role of this variant in disease conclusively. Therefore, this variant is classified as a Variant of Uncertain Significance.